The following is an entry in ClinVar:

ClinVar aggregate classification (germline): Uncertain significance (1 of 4 stars; one submission).

Allele frequency attached by ClinVar (database versions not stated): gnomAD 0.00001; TOPMed 0.00001.

Submission:

Labcorp Genetics (formerly Invitae), Labcorp
Classification: Uncertain significance. Last evaluated: 2024-02-29. Review status: criteria provided, single submitter. Criteria: Invitae Variant Classification Sherloc (09022015). Collection method: clinical testing. Allele origin: germline.
Comment: This sequence change replaces alanine, which is neutral and non-polar, with threonine, which is neutral and polar, at codon 1341 of the DCHS1 protein (p.Ala1341Thr). This variant is not present in population databases (gnomAD no frequency). This variant has not been reported in the literature in individuals affected with DCHS1-related conditions. Advanced modeling of protein sequence and biophysical properties (such as structural, functional, and spatial information, amino acid conservation, physicochemical variation, residue mobility, and thermodynamic stability) performed at Invitae indicates that this missense variant is not expected to disrupt DCHS1 protein function with a negative predictive value of 80%. In summary, the available evidence is currently insufficient to determine the role of this variant in disease. Therefore, it has been classified as a Variant of Uncertain Significance.

NM_003737.4(DCHS1):c.4021G>A (p.Ala1341Thr)

Gene: DCHS1 (dachsous cadherin-related 1; minus strand). Cytogenetic location: 11p15.4.
Variant type: single nucleotide variant.
Coding change: c.4021G>A on transcript NM_003737.4 (MANE Select); coding-DNA position 4021, G replaced by A.
Protein change: p.Ala1341Thr; replaces alanine 1341 with threonine.
Molecular consequence: missense variant.
Genome position (GRCh38, 1-based): chr11:6,630,773, C>T on the plus strand (G>A on the coding strand, the complement: DCHS1 is on the minus strand). VCF-style: chr11-6630773-C-T. GRCh37 (hg19) VCF-style: chr11-6652004-C-T.
Other names: short protein forms A1341T.
Identifiers: ClinVar variation 3022497 (VCV003022497.3), dbSNP rs1345348795, ClinGen allele CA379407569.